The following is an entry in ClinVar:

ClinVar aggregate classification (germline): Uncertain significance (1 of 4 stars; one submission).

Conditions:
Neuroblastoma, susceptibility to, 3. Also called: ALK-Related Neuroblastic Tumor Susceptibility. Identifiers: Orphanet 635, MedGen C2751681, MONDO:0013083, OMIM 613014.

Submission:

Labcorp Genetics (formerly Invitae), Labcorp
Classification: Uncertain significance for Neuroblastoma, susceptibility to, 3. Last evaluated: 2022-01-27. Review status: criteria provided, single submitter. Criteria: Invitae Variant Classification Sherloc (09022015). Collection method: clinical testing. Allele origin: germline.
Comment: This variant has not been reported in the literature in individuals affected with ALK-related conditions. In summary, the available evidence is currently insufficient to determine the role of this variant in disease. Therefore, it has been classified as a Variant of Uncertain Significance. This variant is not present in population databases (gnomAD no frequency). This sequence change creates a premature translational stop signal (p.Val108Glyfs*118) in the ALK gene. It is expected to result in an absent or disrupted protein product. However, the current clinical and genetic evidence is not sufficient to establish whether loss-of-function variants in ALK cause disease.

NM_004304.5(ALK):c.317dup (p.Val108fs)

Gene: ALK (ALK receptor tyrosine kinase; minus strand). Cytogenetic location: 2p23.1.
Variant type: Duplication.
Coding change: c.317dup on transcript NM_004304.5 (MANE Select); coding-DNA position 317, one base duplicated (C; older notation c.317dupC).
Protein change: p.Val108fs; shifts the reading frame from valine 108.
Molecular consequence: frameshift variant.
Genome position (GRCh38, 1-based): chr2:29,920,343, G duplicated on the plus strand (C on the coding strand, the reverse complement: ALK is on the minus strand); the first of 2 consecutive G bases (chr2:29,920,343-29,920,344); duplicating either gives the same sequence. VCF-style (leftmost placement, unchanged base first): chr2-29920342-C-CG. GRCh37 (hg19) VCF-style: chr2-30143208-C-CG.
Other names: short protein forms V108fs.
Identifiers: ClinVar variation 1487075 (VCV001487075.6), dbSNP rs2148443529, ClinGen allele CA2573134650.